The following is an entry in ClinVar:

ClinVar aggregate classification (germline): Uncertain significance. Review status: criteria provided, single submitter (1 of 4 stars). 2 submissions from 2 submitters: Uncertain significance (1). 1 of the submissions does not count toward it. Last evaluated 2025-08-11.

Conditions:
Nephrotic syndrome. Identifiers: MedGen C0027726, MONDO:0005377, HP:0000100.

Allele frequency attached by ClinVar (database versions not stated): gnomAD exomes 0.00003 and 0.00004; ExAC 0.00007; gnomAD 0.00015; ESP Exome Variant Server 0.00017; TOPMed 0.00020; 1000 Genomes Project 30x 0.00047; 1000 Genomes Project 0.00060.
gnomAD v4.1: 82 of 1,613,994 alleles (0.0051%); highest among the groups gnomAD compares: African/African-American, 0.088%; 1 homozygote.

Submissions (2):

Labcorp Genetics (formerly Invitae), Labcorp
Classification: Uncertain significance. Last evaluated: 2025-08-11. Review status: criteria provided, single submitter. Criteria: Invitae Variant Classification Sherloc (09022015). Collection method: clinical testing. Allele origin: germline.
Comment: This sequence change replaces proline, which is neutral and non-polar, with threonine, which is neutral and polar, at codon 1891 of the FAT1 protein (p.Pro1891Thr). This variant is present in population databases (rs185078412, gnomAD 0.07%). This missense change has been observed in individual(s) with clinical features of FAT1-related conditions (PMID: 26905694). ClinVar contains an entry for this variant (Variation ID: 684632). Invitae Evidence Modeling of protein sequence and biophysical properties (such as structural, functional, and spatial information, amino acid conservation, physicochemical variation, residue mobility, and thermodynamic stability) indicates that this missense variant is not expected to disrupt FAT1 protein function with a negative predictive value of 80%. In summary, the available evidence is currently insufficient to determine the role of this variant in disease. Therefore, it has been classified as a Variant of Uncertain Significance.

Yale Center for Mendelian Genomics, Yale University
Classification: Likely pathogenic for Nephrotic Syndrome. Last evaluated: 2016-02-24. Review status: no assertion criteria provided. Collection method: literature only. Allele origin: germline. Affected: yes. Observed: 1 compound heterozygote. Not counted in ClinVar's aggregate classification.

Literature cited by the submitters: PubMed 26905694 (cited by Labcorp Genetics (formerly Invitae), Labcorp and Yale Center for Mendelian Genomics, Yale University).

NM_005245.4(FAT1):c.5671C>A (p.Pro1891Thr)

Gene: FAT1 (FAT atypical cadherin 1; minus strand). Cytogenetic location: 4q35.2.
Variant type: single nucleotide variant.
Coding change: c.5671C>A on transcript NM_005245.4 (MANE Select); coding-DNA position 5671, C replaced by A.
Protein change: p.Pro1891Thr; replaces proline 1891 with threonine.
Molecular consequence: missense variant.
Genome position (GRCh38, 1-based): chr4:186,620,915, G>T on the plus strand (C>A on the coding strand, the complement: FAT1 is on the minus strand). VCF-style: chr4-186620915-G-T. GRCh37 (hg19) VCF-style: chr4-187542069-G-T.
Other names: short protein forms P1891T.
Identifiers: ClinVar variation 684632 (VCV000684632.4), dbSNP rs185078412, ClinGen allele CA3166413.
Genomic context (GRCh38, chr4:186,620,915, plus strand): 5'-ATGCACTTGAATCAGCATCTGTAGCATTTACTGTGATGACTTTTACTCCTTTGTATGTTG[G>T]TAACAAAAGAGATGCTTCATATAATGGCTTGGCAAACACAGGGGGGCAGTCATTAATGTC-3'
Protein context (NP_005236.2, residues 1881-1901): KPLYEASLLL[Pro1891Thr]TYKGVKVITV